The following is an entry in ClinVar:

NM_001105206.3(LAMA4):c.1056C>G (p.Asp352Glu)

Gene: LAMA4 (laminin subunit alpha 4; minus strand). Cytogenetic location: 6q21.
Variant type: single nucleotide variant.
Coding change: c.1056C>G on transcript NM_001105206.3 (MANE Select); coding-DNA position 1056, C replaced by G.
Protein change: p.Asp352Glu; replaces aspartic acid 352 with glutamic acid.
Molecular consequence: missense variant.
Genome position (GRCh38, 1-based): chr6:112,185,258, G>C on the plus strand (C>G on the coding strand, the complement: LAMA4 is on the minus strand). VCF-style: chr6-112185258-G-C. GRCh37 (hg19) VCF-style: chr6-112506460-G-C.
Other names: c.1035C>G, p.Asp345Glu (NM_001105207.3, NM_002290.5); short protein forms D352E, D345E.
Identifiers: ClinVar variation 2447575 (VCV002447575.2), dbSNP rs1314652109, ClinGen allele CA365374515.

ClinVar aggregate classification (germline): Uncertain significance (1 of 4 stars; one submission).

Conditions:
Cardiovascular phenotype. Identifiers: MedGen CN230736.

Submission:

Ambry Genetics
Classification: Uncertain significance for Cardiovascular phenotype. Last evaluated: 2023-03-12. Review status: criteria provided, single submitter. Criteria: Ambry Variant Classification Scheme 2023. Collection method: clinical testing. Allele origin: germline.
Comment: The p.D345E variant (also known as c.1035C>G), located in coding exon 8 of the LAMA4 gene, results from a C to G substitution at nucleotide position 1035. The aspartic acid at codon 345 is replaced by glutamic acid, an amino acid with highly similar properties. This amino acid position is conserved. In addition, this alteration is predicted to be tolerated by in silico analysis. Since supporting evidence is limited at this time, the clinical significance of this alteration remains unclear.